The following is an entry in ClinVar:

NM_000038.6(APC):c.1337T>C (p.Ile446Thr)

Gene: APC (APC regulator of Wnt signaling pathway; plus strand). Cytogenetic location: 5q22.2.
Variant type: single nucleotide variant.
Coding change: c.1337T>C on transcript NM_000038.6 (MANE Select); coding-DNA position 1337, T replaced by C.
Protein change: p.Ile446Thr; replaces isoleucine 446 with threonine.
Molecular consequence: missense variant.
Genome position (GRCh38, 1-based): chr5:112,821,920, T>C. VCF-style: chr5-112821920-T-C. GRCh37 (hg19) VCF-style: chr5-112157617-T-C.
Other names: c.1367T>C, p.Ile456Thr (NM_001354897.2); c.1262T>C, p.Ile421Thr (NM_001354898.2); c.1253T>C, p.Ile418Thr (NM_001354899.2); c.1160T>C, p.Ile387Thr (NM_001354900.2, NM_001354901.2); c.1064T>C, p.Ile355Thr (NM_001354902.2); c.1034T>C, p.Ile345Thr (NM_001354903.2); c.959T>C, p.Ile320Thr (NM_001354904.2); c.857T>C, p.Ile286Thr (NM_001354905.2); and 3 more; short protein forms I421T, I320T, I418T, I456T, I286T, I355T, I387T, I428T.
Identifiers: ClinVar variation 1494734 (VCV001494734.8), dbSNP rs1274585798, ClinGen allele CA16024233.

ClinVar aggregate classification (germline): Uncertain significance (1 of 4 stars; one submission).

Conditions:
Familial adenomatous polyposis 1 (FAP1). Also called: FAMILIAL ADENOMATOUS POLYPOSIS 1, ATTENUATED; POLYPOSIS, ADENOMATOUS INTESTINAL. Identifiers: MedGen C2713442, MONDO:0021056, OMIM 175100. Disease mechanism: loss of function.

Submission:

Labcorp Genetics (formerly Invitae), Labcorp
Classification: Uncertain significance for Familial adenomatous polyposis 1. Last evaluated: 2021-08-27. Review status: criteria provided, single submitter. Criteria: Invitae Variant Classification Sherloc (09022015). Collection method: clinical testing. Allele origin: germline.
Comment: In summary, the available evidence is currently insufficient to determine the role of this variant in disease. Therefore, it has been classified as a Variant of Uncertain Significance. Algorithms developed to predict the effect of missense changes on protein structure and function are either unavailable or do not agree on the potential impact of this missense change (SIFT: "Deleterious"; PolyPhen-2: "Possibly Damaging"; Align-GVGD: "Class C0"). This variant has not been reported in the literature in individuals with APC-related conditions. This variant is not present in population databases (ExAC no frequency). This sequence change replaces isoleucine with threonine at codon 446 of the APC protein (p.Ile446Thr). The isoleucine residue is highly conserved and there is a moderate physicochemical difference between isoleucine and threonine.